The following is an entry in ClinVar:

NM_015692.5(CPAMD8):c.1324C>T (p.Leu442Phe)

Gene: CPAMD8 (C3 and PZP like alpha-2-macroglobulin domain containing 8; minus strand). Cytogenetic location: 19p13.11.
Variant type: single nucleotide variant.
Coding change: c.1324C>T on transcript NM_015692.5 (MANE Select); coding-DNA position 1324, C replaced by T.
Protein change: p.Leu442Phe; replaces leucine 442 with phenylalanine.
Molecular consequence: missense variant.
Genome position (GRCh38, 1-based): chr19:16,989,714, G>A on the plus strand (C>T on the coding strand, the complement: CPAMD8 is on the minus strand). VCF-style: chr19-16989714-G-A. GRCh37 (hg19) VCF-style: chr19-17100524-G-A.
Other names: short protein forms L442F.
Identifiers: ClinVar variation 4689817 (VCV004689817.1).

ClinVar aggregate classification (germline): Uncertain significance (1 of 4 stars; one submission).

gnomAD v4.1: 351 of 1,614,062 alleles (0.022%); highest among the groups gnomAD compares: African/African-American, 0.41%; 1 homozygote.

Submission:

GeneDx
Classification: Uncertain significance. Last evaluated: 2025-07-29. Review status: criteria provided, single submitter. Criteria: GeneDx Variant Classification Process June 2021. Collection method: clinical testing. Allele origin: germline. Affected: yes.
Comment: In silico analysis suggests that this missense variant does not alter protein structure/function; Has not been previously published as pathogenic or benign to our knowledge